The following is an entry in ClinVar:

ClinVar aggregate classification (germline): Uncertain significance (1 of 4 stars; one submission).

Allele frequency attached by ClinVar (database versions not stated): TOPMed below 0.00001; gnomAD 0.00001.
gnomAD v4.1: 1 of 1,613,938 alleles (0.000062%); highest among the groups gnomAD compares: Admixed American, 0.0017%; no homozygotes.

Submission:

Labcorp Genetics (formerly Invitae), Labcorp
Classification: Uncertain significance. Last evaluated: 2021-04-13. Review status: criteria provided, single submitter. Criteria: Invitae Variant Classification Sherloc (09022015). Collection method: clinical testing. Allele origin: germline.
Comment: This sequence change replaces isoleucine with methionine at codon 1236 of the UBR1 protein (p.Ile1236Met). The isoleucine residue is highly conserved and there is a small physicochemical difference between isoleucine and methionine. This variant is not present in population databases (ExAC no frequency). In summary, the available evidence is currently insufficient to determine the role of this variant in disease. Therefore, it has been classified as a Variant of Uncertain Significance. Algorithms developed to predict the effect of missense changes on protein structure and function are either unavailable or do not agree on the potential impact of this missense change (SIFT: "Deleterious"; PolyPhen-2: "Benign"; Align-GVGD: "Class C0"). This variant has not been reported in the literature in individuals with UBR1-related conditions.

NM_174916.3(UBR1):c.3708A>G (p.Ile1236Met)

Gene: UBR1 (ubiquitin protein ligase E3 component n-recognin 1; minus strand). Cytogenetic location: 15q15.2.
Variant type: single nucleotide variant.
Coding change: c.3708A>G on transcript NM_174916.3 (MANE Select); coding-DNA position 3708, A replaced by G.
Protein change: p.Ile1236Met; replaces isoleucine 1236 with methionine.
Molecular consequence: missense variant.
Genome position (GRCh38, 1-based): chr15:42,998,217, T>C on the plus strand (A>G on the coding strand, the complement: UBR1 is on the minus strand). VCF-style: chr15-42998217-T-C. GRCh37 (hg19) VCF-style: chr15-43290415-T-C.
Other names: short protein forms I1236M.
Identifiers: ClinVar variation 1501400 (VCV001501400.8), dbSNP rs2032669345, ClinGen allele CA392054002.